The following is an entry in ClinVar:

NM_053025.4(MYLK):c.159dup (p.Gly54fs)

Genes: MYLK (myosin light chain kinase; minus strand), LOC126806792 (CDK7 strongly-dependent group 2 enhancer GRCh37_chr3:123511339-123512538; plus strand). Cytogenetic location: 3q21.1.
Variant type: Duplication.
Coding change: c.159dup on transcript NM_053025.4 (MANE Select); coding-DNA position 159, one base duplicated (A; older notation c.159dupA).
Protein change: p.Gly54fs; shifts the reading frame from glycine 54.
Molecular consequence: frameshift variant. On other transcripts: 5 prime UTR variant (1).
Genome position (GRCh38, 1-based): chr3:123,793,683, T duplicated on the plus strand (A on the coding strand, the reverse complement: MYLK is on the minus strand); the first of 2 consecutive T bases (chr3:123,793,683-123,793,684); duplicating either gives the same sequence. VCF-style (leftmost placement, unchanged base first): chr3-123793682-C-CT. GRCh37 (hg19) VCF-style: chr3-123512529-C-CT.
Other names: c.-162dup (NM_001321309.2); c.159dup, p.Gly54fs (NM_053026.4, NM_053027.4, NM_053028.4); short protein forms G54fs.
Identifiers: ClinVar variation 423811 (VCV000423811.4), dbSNP rs1553850067, ClinGen allele CA16617822.

ClinVar aggregate classification (germline): Uncertain significance (1 of 4 stars; one submission).

Conditions:
Familial thoracic aortic aneurysm and aortic dissection (TAAD). Also called: Thoracic aortic aneurysms and dissections. Identifiers: Orphanet 91387, MedGen C4707243, MONDO:0019625.

Submission:

GeneDx
Classification: Uncertain significance. Last evaluated: 2017-02-21. Review status: criteria provided, single submitter. Criteria: GeneDx Variant Classification (06012015). Collection method: clinical testing. Allele origin: germline. Affected: yes.
Comment: The c.159dupA variant in the MYLK gene has not been published previously, to our knowledge. The c.159dupA variant is not observed in large population cohorts (Lek et al., 2016; 1000 Genomes Consortium et al., 2015; Exome Variant Server). The c.159dupA variant causes a frameshift starting with codon Glycine 54, changes this amino acid to an Arginine residue, and creates a premature Stop codon at position 45 of the new reading frame, denoted p.Gly54ArgfsX45. This variant is predicted to cause loss of normal protein function either through protein truncation or nonsense-mediated mRNA decay. However, haploinsufficiency of MYLK is no longer considered to be an established disease mechanism for aortic dilation/dissection. Therefore, c.159dupA is interpreted as a variant of uncertain significance.